The following is an entry in ClinVar:

ClinVar aggregate classification (germline): Likely benign. Review status: criteria provided, single submitter (1 of 4 stars). 2 submissions from 2 submitters: Likely benign (1). 1 of the submissions does not count toward it. Last evaluated 2023-08-05.

Conditions:
KMT2E-related disorder. Also called: KMT2E-related condition.

gnomAD v4.1: 5 of 1,613,984 alleles (0.00031%); highest among the groups gnomAD compares: Admixed American, 0.0033%; no homozygotes.

Submissions (2):

Labcorp Genetics (formerly Invitae), Labcorp
Classification: Likely benign. Last evaluated: 2023-08-05. Review status: criteria provided, single submitter. Criteria: Invitae Variant Classification Sherloc (09022015). Collection method: clinical testing. Allele origin: germline.

PreventionGenetics, part of Exact Sciences
Classification: Likely benign for KMT2E-related condition. Last evaluated: 2022-12-29. Review status: no assertion criteria provided. Collection method: clinical testing. Allele origin: germline. Not counted in ClinVar's aggregate classification.
Comment: This variant is classified as likely benign based on ACMG/AMP sequence variant interpretation guidelines (Richards et al. 2015 PMID: 25741868, with internal and published modifications).

NM_182931.3(KMT2E):c.4431C>T (p.Pro1477=)

Gene: KMT2E (lysine methyltransferase 2E (inactive); plus strand). Cytogenetic location: 7q22.3.
Variant type: single nucleotide variant.
Coding change: c.4431C>T on transcript NM_182931.3 (MANE Select); coding-DNA position 4431, C replaced by T.
Protein change: p.Pro1477=; no amino-acid change (proline 1477 retained).
Molecular consequence: synonymous variant.
Genome position (GRCh38, 1-based): chr7:105,112,187, C>T. VCF-style: chr7-105112187-C-T. GRCh37 (hg19) VCF-style: chr7-104752634-C-T.
Other names: c.4305C>T, p.Pro1435= (NM_001410908.1); c.4431C>T, p.Pro1477= (NM_018682.4); c.4431C>T (NM_182931.2).
Identifiers: ClinVar variation 2144860 (VCV002144860.6), dbSNP rs779892341, ClinGen allele CA4424750.
Genomic context (GRCh38, chr7:105,112,187, plus strand): 5'-CACACCTGTACAGCATGGTTATCTTTCACCAAAGCCTCCTTCACAGCAGTTAGGATCTCC[C>T]TACAGGCCTCATCATTCACAGTCACCTCAAGTTGGAACACCTCAGCGAGAGCCTCAAAGA-3'
Protein context (NP_891847.1, residues 1467-1487): PKPPSQQLGS[Pro1477=]YRPHHSQSPQ